The following is an entry in ClinVar:

ClinVar aggregate classification (germline): Uncertain significance (1 of 4 stars; one submission).

Conditions:
Tuberous sclerosis syndrome (TSC). Also called: Tuberous Sclerosis Complex; Tuberous sclerosis. Identifiers: Orphanet 805, MedGen C0041341, MONDO:0001734.

Allele frequency attached by ClinVar (database versions not stated): gnomAD exomes below 0.00001.
gnomAD v4.1: 3 of 1,614,228 alleles (0.00019%); highest among the groups gnomAD compares: Non-Finnish European, 0.00025%; no homozygotes.

Submission:

All of Us Research Program, National Institutes of Health
Classification: Uncertain significance for Tuberous sclerosis syndrome. Last evaluated: 2023-12-01. Review status: criteria provided, single submitter. Criteria: ACMG Guidelines, 2015. Collection method: clinical testing. Allele origin: germline. Inheritance: Autosomal dominant inheritance. Observed: 1 variant allele, 1 heterozygote.
Comment: This study involves interpretation of variants in research participants for the purpose of population health screening. Participant phenotype was not available at the time of variant classification. Additional details can be found in publication PMID: 35346344, PMCID: PMC8962531

NM_000548.5(TSC2):c.428T>A (p.Phe143Tyr)

Gene: TSC2 (TSC complex subunit 2; plus strand). Cytogenetic location: 16p13.3.
Variant type: single nucleotide variant.
Coding change: c.428T>A on transcript NM_000548.5 (MANE Select); coding-DNA position 428, T replaced by A.
Protein change: p.Phe143Tyr; replaces phenylalanine 143 with tyrosine.
Molecular consequence: missense variant. On other transcripts: non-coding transcript variant (5), intron variant (6), 5 prime UTR variant (14).
Genome position (GRCh38, 1-based): chr16:2,054,387, T>A. VCF-style: chr16-2054387-T-A. GRCh37 (hg19) VCF-style: chr16-2104388-T-A.
Other names: c.-1-1809T>A (NM_001406682.1, NM_001406684.1, NM_001406685.1 and 3 more transcripts); c.-1004T>A (NM_001406691.1, NM_001406692.1, NM_001406697.1 and 2 more transcripts); c.-1220T>A (NM_001406693.1); c.-885T>A (NM_001406694.1, NM_001406695.1); c.-992T>A (NM_001406696.1); c.-1180T>A (NM_001406698.1); c.428T>A, p.Phe143Tyr (NM_021055.3, NM_001077183.3, NM_001114382.3 and 8 more transcripts); c.-389T>A (NM_001406687.1, NM_001406680.1, NM_001406683.1); and 6 more; short protein forms F106Y, F124Y, F143Y, F154Y, F173Y, F94Y.
Identifiers: ClinVar variation 3074031 (VCV003074031.1), dbSNP rs2151043120, ClinGen allele CA394307295.